The following is an entry in ClinVar:

ClinVar aggregate classification (germline): Uncertain significance (1 of 4 stars; one submission).

Conditions:
Kleefstra syndrome 1 (KLEFS1). Identifiers: Orphanet 261494, MedGen C0795833, MONDO:0027407, OMIM 610253.

Allele frequency attached by ClinVar (database versions not stated): TOPMed below 0.00001; gnomAD exomes 0.00001.
gnomAD v4.1: 14 of 1,613,908 alleles (0.00087%); highest among the groups gnomAD compares: Non-Finnish European, 0.0012%; no homozygotes.

Submission:

Labcorp Genetics (formerly Invitae), Labcorp
Classification: Uncertain significance for Kleefstra syndrome 1. Last evaluated: 2019-03-23. Review status: criteria provided, single submitter. Criteria: Invitae Variant Classification Sherloc (09022015). Collection method: clinical testing. Allele origin: germline.
Comment: This variant is not present in population databases (ExAC no frequency). This sequence change replaces glycine with serine at codon 665 of the EHMT1 protein (p.Gly665Ser). The glycine residue is highly conserved and there is a small physicochemical difference between glycine and serine. This variant has not been reported in the literature in individuals with EHMT1-related conditions. In summary, the available evidence is currently insufficient to determine the role of this variant in disease. Therefore, it has been classified as a Variant of Uncertain Significance. Algorithms developed to predict the effect of missense changes on protein structure and function are either unavailable or do not agree on the potential impact of this missense change (SIFT: "Tolerated"; PolyPhen-2: "Possibly Damaging"; Align-GVGD: "Class C0").

NM_024757.5(EHMT1):c.1993G>A (p.Gly665Ser)

Gene: EHMT1 (euchromatic histone lysine methyltransferase 1; plus strand). Cytogenetic location: 9q34.3.
Variant type: single nucleotide variant.
Coding change: c.1993G>A on transcript NM_024757.5 (MANE Select); coding-DNA position 1993, G replaced by A.
Protein change: p.Gly665Ser; replaces glycine 665 with serine.
Molecular consequence: missense variant.
Genome position (GRCh38, 1-based): chr9:137,776,819, G>A. VCF-style: chr9-137776819-G-A. GRCh37 (hg19) VCF-style: chr9-140671271-G-A.
Other names: c.1993G>A, p.Gly665Ser (NM_001145527.2); c.1900G>A, p.Gly634Ser (NM_001354259.2); c.1972G>A, p.Gly658Ser (NM_001354263.2); short protein forms G665S, G634S, G658S.
Identifiers: ClinVar variation 851582 (VCV000851582.10), dbSNP rs1950996044, ClinGen allele CA375776955.